The following is an entry in ClinVar:

ClinVar aggregate classification (germline): Uncertain significance (1 of 4 stars; one submission).

Allele frequency attached by ClinVar (database versions not stated): gnomAD exomes 0.00002; TOPMed 0.00002; ExAC 0.00003; gnomAD 0.00003.

Submission:

Labcorp Genetics (formerly Invitae), Labcorp
Classification: Uncertain significance. Last evaluated: 2024-02-23. Review status: criteria provided, single submitter. Criteria: Invitae Variant Classification Sherloc (09022015). Collection method: clinical testing. Allele origin: germline.
Comment: This variant, c.953_967del, is a complex sequence change that results in the deletion of 6 and insertion of 1 amino acid(s) in the ZNF687 protein (p.Asp318_Ser323delinsGly). The frequency data for this variant in the population databases is considered unreliable, as metrics indicate poor data quality at this position in the gnomAD database. This variant has not been reported in the literature in individuals affected with ZNF687-related conditions. Experimental studies and prediction algorithms are not available or were not evaluated, and the functional significance of this variant is currently unknown. In summary, the available evidence is currently insufficient to determine the role of this variant in disease. Therefore, it has been classified as a Variant of Uncertain Significance.

NM_020832.3(ZNF687):c.953_967del (p.Asp318_Ser323delinsGly)

Gene: ZNF687 (zinc finger protein 687; plus strand). Cytogenetic location: 1q21.3.
Variant type: Deletion.
Coding change: c.953_967del on transcript NM_020832.3 (MANE Select); coding-DNA positions 953 to 967, 15 bases deleted (ACTCCCCTGCCTCCA).
Protein change: p.Asp318_Ser323delinsGly.
Molecular consequence: inframe indel.
Genome position (GRCh38, 1-based): chr1:151,287,244-151,287,258, ACTCCCCTGCCTCCA deleted. VCF-style (leftmost placement, unchanged base first): chr1-151287243-GACTCCCCTGCCTCCA-G. GRCh37 (hg19) VCF-style: chr1-151259719-GACTCCCCTGCCTCCA-G.
Other names: c.953_967del, p.Asp318_Ser323delinsGly (NM_001304763.2, NM_001304764.2).
Identifiers: ClinVar variation 2909890 (VCV002909890.3), dbSNP rs761814475, ClinGen allele CA1088250.